The following is an entry in ClinVar:

NM_145239.3(PRRT2):c.543_544del (p.Asn181fs)

Genes: MVP-DT (MVP divergent transcript; minus strand), PRRT2 (proline rich transmembrane protein 2; plus strand). Cytogenetic location: 16p11.2.
Variant type: Deletion.
Coding change: c.543_544del on transcript NM_145239.3 (MANE Select); coding-DNA positions 543 to 544, 2 bases deleted (TG; older notation c.543_544delTG).
Protein change: p.Asn181fs; shifts the reading frame from asparagine 181.
Molecular consequence: frameshift variant.
Genome position (GRCh38, 1-based): chr16:29,813,597-29,813,598, TG deleted. VCF-style (leftmost placement, unchanged base first): chr16-29813596-ATG-A. GRCh37 (hg19) VCF-style: chr16-29824917-ATG-A.
Other names: c.543_544del, p.Asn181fs (NM_001256442.2, NM_001256443.2); short protein forms N181fs.
Identifiers: ClinVar variation 1074997 (VCV001074997.8), dbSNP rs2142425196, ClinGen allele CA2499223480.
Genomic context (GRCh38, chr16:29,813,596, plus strand): 5'-CTACCCAGGAGGACCCCACCCCTGAGATTCTGTCTGAGAGTGTAGGGGAAAAGCAAGAGA[ATG>A]GGGCAGTGGTGCCCCTGCAGGCTGGTGATGGGGAAGAGGGCCCAGCCCCTGAGCCTCACT-3'

ClinVar aggregate classification (germline): Pathogenic (1 of 4 stars; one submission).

Conditions:
Episodic kinesigenic dyskinesia (EKD). Also called: Paroxysmal kinesigenic dyskinesia. Identifiers: Orphanet 98809, MedGen C1868682, MONDO:0044202.

Submission:

Labcorp Genetics (formerly Invitae), Labcorp
Classification: Pathogenic for Episodic kinesigenic dyskinesia. Last evaluated: 2020-02-14. Review status: criteria provided, single submitter. Criteria: Invitae Variant Classification Sherloc (09022015). Collection method: clinical testing. Allele origin: germline.
Comment: For these reasons, this variant has been classified as Pathogenic. Loss-of-function variants in PRRT2 are known to be pathogenic (PMID: 22623405, 22744660). This variant has not been reported in the literature in individuals with PRRT2-related conditions. This variant is not present in population databases (ExAC no frequency). This sequence change creates a premature translational stop signal (p.Asn181Lysfs*10) in the PRRT2 gene. It is expected to result in an absent or disrupted protein product.

Literature cited by the submitters: PubMed 22623405; PubMed 22744660.